The following is an entry in ClinVar:

NM_004525.3(LRP2):c.6410T>C (p.Ile2137Thr)

Gene: LRP2 (LDL receptor related protein 2; minus strand). Cytogenetic location: 2q31.1.
Variant type: single nucleotide variant.
Coding change: c.6410T>C on transcript NM_004525.3 (MANE Select); coding-DNA position 6410, T replaced by C.
Protein change: p.Ile2137Thr; replaces isoleucine 2137 with threonine.
Molecular consequence: missense variant.
Genome position (GRCh38, 1-based): chr2:169,209,512, A>G on the plus strand (T>C on the coding strand, the complement: LRP2 is on the minus strand). VCF-style: chr2-169209512-A-G. GRCh37 (hg19) VCF-style: chr2-170066022-A-G.
Other names: short protein forms I2137T.
Identifiers: ClinVar variation 894734 (VCV000894734.10), dbSNP rs766753267, ClinGen allele CA1954300.
Genomic context (GRCh38, chr2:169,209,512, plus strand): 5'-CCTGCTACCCAATCCACTGCAATACCCCGGACTCCATTTTCTCCTATTCCATGTGTCACA[A>G]TGTTCATCAGAGAAGATCCATCTGGTTTAATTCTACGGATCGCATTATCAGATGCCACTG-3'
Protein context (NP_004516.2, residues 2127-2147): IKPDGSSLMN[Ile2137Thr]VTHGIGENGV

ClinVar aggregate classification (germline): Uncertain significance. Review status: criteria provided, multiple submitters, no conflicts (2 of 4 stars). 3 submissions from 3 submitters: Uncertain significance (3). Last evaluated 2024-08-01.

Conditions:
Donnai-Barrow syndrome. Also called: DBS/FOAR SYNDROME; FACIOOCULOACOUSTICORENAL SYNDROME. Identifiers: Orphanet 2143, MedGen C1857277, MONDO:0009104, OMIM 222448.

Allele frequency attached by ClinVar (database versions not stated): ExAC 0.00001; TOPMed 0.00001; gnomAD exomes 0.00002 and 0.00003.
gnomAD v4.1: 40 of 1,614,140 alleles (0.0025%); highest among the groups gnomAD compares: East Asian, 0.0045%; no homozygotes.

Submissions (3):

Women's Health and Genetics/Laboratory Corporation of America, LabCorp
Classification: Uncertain significance. Last evaluated: 2024-08-01. Review status: criteria provided, single submitter. Criteria: LabCorp Variant Classification Summary - May 2015. Collection method: clinical testing. Allele origin: germline.
Comment: Variant summary: LRP2 c.6410T>C (p.Ile2137Thr) results in a non-conservative amino acid change in the encoded protein sequence. Four of five in-silico tools predict a damaging effect of the variant on protein function. The variant allele was found at a frequency of 1.6e-05 in 251220 control chromosomes (gnomAD). The available data on variant occurrences in the general population are insufficient to allow any conclusion about variant significance. To our knowledge, no occurrence of c.6410T>C in individuals affected with Donnai Barrow Syndrome and no experimental evidence demonstrating its impact on protein function have been reported. ClinVar contains an entry for this variant (Variation ID: 894734). Based on the evidence outlined above, the variant was classified as uncertain significance.

Labcorp Genetics (formerly Invitae), Labcorp
Classification: Uncertain significance. Last evaluated: 2021-09-24. Review status: criteria provided, single submitter. Criteria: Invitae Variant Classification Sherloc (09022015). Collection method: clinical testing. Allele origin: germline.
Comment: This sequence change replaces isoleucine with threonine at codon 2137 of the LRP2 protein (p.Ile2137Thr). The isoleucine residue is moderately conserved and there is a moderate physicochemical difference between isoleucine and threonine. The frequency data for this variant in the population databases is considered unreliable, as metrics indicate poor data quality at this position in the ExAC database. This variant has not been reported in the literature in individuals with LRP2-related conditions. ClinVar contains an entry for this variant (Variation ID: 894734). Advanced modeling of protein sequence and biophysical properties (such as structural, functional, and spatial information, amino acid conservation, physicochemical variation, residue mobility, and thermodynamic stability) performed at Invitae indicates that this missense variant is expected to disrupt LRP2 protein function. In summary, the available evidence is currently insufficient to determine the role of this variant in disease. Therefore, it has been classified as a Variant of Uncertain Significance.

Illumina Laboratory Services, Illumina
Classification: Uncertain significance for Donnai-Barrow syndrome. Last evaluated: 2018-01-13. Review status: criteria provided, single submitter. Criteria: ICSL Variant Classification Criteria 13 December 2019. Collection method: clinical testing. Allele origin: germline.